The following is an entry in ClinVar:

NM_001145809.2(MYH14):c.1039G>A (p.Gly347Ser)

Gene: MYH14 (myosin heavy chain 14; plus strand). Cytogenetic location: 19q13.33.
Variant type: single nucleotide variant.
Coding change: c.1039G>A on transcript NM_001145809.2 (MANE Select); coding-DNA position 1039, G replaced by A.
Protein change: p.Gly347Ser; replaces glycine 347 with serine.
Molecular consequence: missense variant.
Genome position (GRCh38, 1-based): chr19:50,231,995, G>A. VCF-style: chr19-50231995-G-A. GRCh37 (hg19) VCF-style: chr19-50735252-G-A.
Other names: c.1039G>A, p.Gly347Ser (NM_001077186.2); c.1015G>A, p.Gly339Ser (NM_024729.4); short protein forms G339S, G347S.
Identifiers: ClinVar variation 3604386 (VCV003604386.2).
Genomic context (GRCh38, chr19:50,231,995, plus strand): 5'-CTCCTCCTCGAGCCCTGCTCCCACTACCGGTTCCTGACCAACGGGCCGTCATCCTCTCCC[G>A]GCCAGGAGCGGGAACTCTTCCAGGAGACGCTGGAGTCGCTGCGGGTCCTGGGATTCAGCC-3'
Protein context (NP_001139281.1, residues 337-357): FLTNGPSSSP[Gly347Ser]QERELFQETL

ClinVar aggregate classification (germline): Uncertain significance (1 of 4 stars; one submission).

gnomAD v4.1: 65 of 1,613,702 alleles (0.004%); highest among the groups gnomAD compares: South Asian, 0.021%; no homozygotes.

Submission:

Labcorp Genetics (formerly Invitae), Labcorp
Classification: Uncertain significance. Last evaluated: 2024-08-04. Review status: criteria provided, single submitter. Criteria: Invitae Variant Classification Sherloc (09022015). Collection method: clinical testing. Allele origin: germline.
Comment: This sequence change replaces glycine, which is neutral and non-polar, with serine, which is neutral and polar, at codon 339 of the MYH14 protein (p.Gly339Ser). This variant is present in population databases (rs775868764, gnomAD 0.02%). This variant has not been reported in the literature in individuals affected with MYH14-related conditions. Advanced modeling of protein sequence and biophysical properties (such as structural, functional, and spatial information, amino acid conservation, physicochemical variation, residue mobility, and thermodynamic stability) performed at Invitae indicates that this missense variant is not expected to disrupt MYH14 protein function with a negative predictive value of 80%. In summary, the available evidence is currently insufficient to determine the role of this variant in disease. Therefore, it has been classified as a Variant of Uncertain Significance.